The following is an entry in ClinVar:

ClinVar aggregate classification (germline): Uncertain significance (1 of 4 stars; one submission).

Conditions:
Inborn genetic diseases. Identifiers: MedGen C0950123, MeSH D030342.

Submission:

Ambry Genetics
Classification: Uncertain significance for Inborn genetic diseases. Last evaluated: 2022-01-26. Review status: criteria provided, single submitter. Criteria: Ambry Variant Classification Scheme 2023. Collection method: clinical testing. Allele origin: germline.
Comment: The p.T213P variant (also known as c.637A>C), located in coding exon 7 of the MDH2 gene, results from an A to C substitution at nucleotide position 637. The threonine at codon 213 is replaced by proline, an amino acid with highly similar properties. This amino acid position is conserved. In addition, the in silico prediction for this alteration is inconclusive. Since supporting evidence is limited at this time, the clinical significance of this alteration remains unclear.

NM_005918.4(MDH2):c.637A>C (p.Thr213Pro)

Gene: MDH2 (malate dehydrogenase 2; plus strand). Cytogenetic location: 7q11.23.
Variant type: single nucleotide variant.
Coding change: c.637A>C on transcript NM_005918.4 (MANE Select); coding-DNA position 637, A replaced by C.
Protein change: p.Thr213Pro; replaces threonine 213 with proline.
Molecular consequence: missense variant.
Genome position (GRCh38, 1-based): chr7:76,064,342, A>C. VCF-style: chr7-76064342-A-C. GRCh37 (hg19) VCF-style: chr7-75693660-A-C.
Other names: c.511A>C, p.Thr171Pro (NM_001282403.2); c.316A>C, p.Thr106Pro (NM_001282404.2); short protein forms T106P, T213P, T171P.
Identifiers: ClinVar variation 1753149 (VCV001753149.2), dbSNP rs782104893, ClinGen allele CA367767132.